The following is an entry in ClinVar:

NM_005422.4(TECTA):c.681C>G (p.Thr227=)

Genes: TBCEL-TECTA (TBCEL-TECTA readthrough; plus strand), TECTA (tectorin alpha; plus strand). Cytogenetic location: 11q23.3.
Variant type: single nucleotide variant.
Coding change: c.681C>G on transcript NM_005422.4 (MANE Select); coding-DNA position 681, C replaced by G.
Protein change: p.Thr227=; no amino-acid change (threonine 227 retained).
Molecular consequence: synonymous variant.
Genome position (GRCh38, 1-based): chr11:121,113,609, C>G. VCF-style: chr11-121113609-C-G. GRCh37 (hg19) VCF-style: chr11-120984318-C-G.
Other names: c.1638C>G, p.Thr546= (NM_001378761.1).
Identifiers: ClinVar variation 1309664 (VCV001309664.2), dbSNP rs1480095477, ClinGen allele CA477217039.

ClinVar aggregate classification (germline): Uncertain significance (1 of 4 stars; one submission).

Submission:

GeneDx
Classification: Uncertain significance. Last evaluated: 2019-08-29. Review status: criteria provided, single submitter. Criteria: GeneDx Variant Classification Process June 2021. Collection method: clinical testing. Allele origin: germline. Affected: yes.
Comment: Not observed in large population cohorts (Lek et al., 2016); In silico analysis supports that this variant does not alter splicing; Has not been previously published as pathogenic or benign to our knowledge